The following is an entry in ClinVar:

ClinVar aggregate classification (germline): Uncertain significance. Review status: criteria provided, multiple submitters, no conflicts (2 of 4 stars). 2 submissions from 2 submitters: Uncertain significance (2). Last evaluated 2024-02-23.

Allele frequency attached by ClinVar (database versions not stated): gnomAD exomes 0.00001; gnomAD 0.00003; TOPMed 0.00004.
gnomAD v4.1: 13 of 1,614,050 alleles (0.00081%); highest among the groups gnomAD compares: South Asian, 0.0011%; no homozygotes.

Submissions (2):

Labcorp Genetics (formerly Invitae), Labcorp
Classification: Uncertain significance. Last evaluated: 2024-02-23. Review status: criteria provided, single submitter. Criteria: Invitae Variant Classification Sherloc (09022015). Collection method: clinical testing. Allele origin: germline.
Comment: This sequence change replaces phenylalanine, which is neutral and non-polar, with serine, which is neutral and polar, at codon 321 of the IDH3A protein (p.Phe321Ser). This variant is present in population databases (no rsID available, gnomAD 0.002%). This variant has not been reported in the literature in individuals affected with IDH3A-related conditions. ClinVar contains an entry for this variant (Variation ID: 999869). Advanced modeling of protein sequence and biophysical properties (such as structural, functional, and spatial information, amino acid conservation, physicochemical variation, residue mobility, and thermodynamic stability) performed at Invitae indicates that this missense variant is not expected to disrupt IDH3A protein function with a negative predictive value of 80%. In summary, the available evidence is currently insufficient to determine the role of this variant in disease. Therefore, it has been classified as a Variant of Uncertain Significance.

Ambry Genetics
Classification: Uncertain significance. Last evaluated: 2022-11-21. Review status: criteria provided, single submitter. Criteria: Ambry Variant Classification Scheme 2023. Collection method: clinical testing. Allele origin: germline.

NM_005530.3(IDH3A):c.962T>C (p.Phe321Ser)

Gene: IDH3A (isocitrate dehydrogenase (NAD(+)) 3 catalytic subunit alpha; plus strand). Cytogenetic location: 15q25.1.
Variant type: single nucleotide variant.
Coding change: c.962T>C on transcript NM_005530.3 (MANE Select); coding-DNA position 962, T replaced by C.
Protein change: p.Phe321Ser; replaces phenylalanine 321 with serine.
Molecular consequence: missense variant.
Genome position (GRCh38, 1-based): chr15:78,166,247, T>C. VCF-style: chr15-78166247-T-C. GRCh37 (hg19) VCF-style: chr15-78458589-T-C.
Other names: c.962T>C (NM_005530.2); short protein forms F321S.
Identifiers: ClinVar variation 999869 (VCV000999869.7), dbSNP rs1177713834, ClinGen allele CA393546385.